The following is an entry in ClinVar:

ClinVar aggregate classification (germline): Likely pathogenic (1 of 4 stars; one submission).

Conditions:
PMM2-congenital disorder of glycosylation. Also called: CDG Ia; Congenital disorder of glycosylation, type Ia; CARBOHYDRATE-DEFICIENT GLYCOPROTEIN SYNDROME, TYPE Ia; JAEKEN SYNDROME; PMM2-CDG; PHOSPHOMANNOMUTASE 2 DEFICIENCY. Identifiers: Orphanet 79318, MedGen C0349653, MONDO:0008907, OMIM 212065.

Submission:

Labcorp Genetics (formerly Invitae), Labcorp
Classification: Likely pathogenic for PMM2-congenital disorder of glycosylation. Last evaluated: 2022-11-29. Review status: criteria provided, single submitter. Criteria: Invitae Variant Classification Sherloc (09022015). Collection method: clinical testing. Allele origin: germline.
Comment: This variant is not present in population databases (gnomAD no frequency). This sequence change replaces threonine, which is neutral and polar, with isoleucine, which is neutral and non-polar, at codon 226 of the PMM2 protein (p.Thr226Ile). This variant has not been reported in the literature in individuals affected with PMM2-related conditions. Advanced modeling of protein sequence and biophysical properties (such as structural, functional, and spatial information, amino acid conservation, physicochemical variation, residue mobility, and thermodynamic stability) performed at Invitae indicates that this missense variant is expected to disrupt PMM2 protein function. This variant disrupts the p.Thr226 amino acid residue in PMM2. Other variant(s) that disrupt this residue have been determined to be pathogenic (PMID: 10922383, 11156536, 17166182). This suggests that this residue is clinically significant, and that variants that disrupt this residue are likely to be disease-causing. In summary, the currently available evidence indicates that the variant is pathogenic, but additional data are needed to prove that conclusively. Therefore, this variant has been classified as Likely Pathogenic.

Literature cited by the submitters: PubMed 10922383; PubMed 11156536; PubMed 17166182.

NM_000303.3(PMM2):c.677C>T (p.Thr226Ile)

Gene: PMM2 (phosphomannomutase 2; plus strand). Cytogenetic location: 16p13.2.
Variant type: single nucleotide variant.
Coding change: c.677C>T on transcript NM_000303.3 (MANE Select); coding-DNA position 677, C replaced by T.
Protein change: p.Thr226Ile; replaces threonine 226 with isoleucine.
Molecular consequence: missense variant.
Genome position (GRCh38, 1-based): chr16:8,847,761, C>T. VCF-style: chr16-8847761-C-T. GRCh37 (hg19) VCF-style: chr16-8941618-C-T.
Other names: short protein forms T226I.
Identifiers: ClinVar variation 1916069 (VCV001916069.5), dbSNP rs80338706, ClinGen allele CA394689492.